The following is an entry in ClinVar:

NM_000090.4(COL3A1):c.3307G>C (p.Ala1103Pro)

Gene: COL3A1 (collagen type III alpha 1 chain; plus strand). Cytogenetic location: 2q32.2.
Variant type: single nucleotide variant.
Coding change: c.3307G>C on transcript NM_000090.4 (MANE Select); coding-DNA position 3307, G replaced by C.
Protein change: p.Ala1103Pro; replaces alanine 1103 with proline.
Molecular consequence: missense variant.
Genome position (GRCh38, 1-based): chr2:189,007,551, G>C. VCF-style: chr2-189007551-G-C. GRCh37 (hg19) VCF-style: chr2-189872277-G-C.
Other names: p.A1103P:GCT>CCT; short protein forms A1103P.
Identifiers: ClinVar variation 199741 (VCV000199741.3), dbSNP rs374548570, ClinGen allele CA006296.

ClinVar aggregate classification (germline): Uncertain significance. Review status: criteria provided, multiple submitters, no conflicts (2 of 4 stars). 2 submissions from 2 submitters: Uncertain significance (2). Last evaluated 2025-12-08.

Conditions:
Familial thoracic aortic aneurysm and aortic dissection (TAAD). Also called: Thoracic aortic aneurysms and dissections. Identifiers: Orphanet 91387, MedGen C4707243, MONDO:0019625.

Allele frequency attached by ClinVar (database versions not stated): TOPMed below 0.00001; gnomAD 0.00001; ESP Exome Variant Server 0.00008.
gnomAD v4.1: 1 of 1,613,734 alleles (0.000062%); highest among the groups gnomAD compares: Non-Finnish European, 0.000085%; no homozygotes.

Submissions (2):

Ambry Genetics
Classification: Uncertain significance for Familial thoracic aortic aneurysm and aortic dissection. Last evaluated: 2025-12-08. Review status: criteria provided, single submitter. Criteria: Ambry Variant Classification Scheme 2023. Collection method: clinical testing. Allele origin: germline.
Comment: The p.A1103P variant (also known as c.3307G>C), located in coding exon 45 of the COL3A1 gene, results from a G to C substitution at nucleotide position 3307. The alanine at codon 1103 is replaced by proline, an amino acid with highly similar properties. This amino acid position is poorly conserved in available vertebrate species. In addition, this alteration is predicted to be tolerated by in silico analysis. Based on the available evidence, the clinical significance of this variant remains unclear.

GeneDx
Classification: Uncertain significance. Last evaluated: 2014-01-19. Review status: criteria provided, single submitter. Criteria: GeneDx Variant Classification (06012015). Collection method: clinical testing. Allele origin: germline. Affected: yes.
Comment: p.Ala1103Pro (GCT>CCT): c.3307 G>C in exon 45 of the COL3A1 gene (NM_000090.3) The A1103P variant in the COL3A1 gene has not been reported as a disease-causing mutation or as a benign polymorphism to our knowledge. The A1103P variant is a conservative amino acid substitution as these residues share similar properties, and are least likely to impact secondary structure. The A1103 residue is not conserved across species. In silico analysis was inconsistent with regard to the effect this variant may have on the protein structure/function. Nevertheless, mutations in nearby residues (G1098V, G1098D, G1101E, G1104A) have been reported in association with EDS type IV, supporting the functional importance of this region of the protein. Additionally, the A1103P variant was not observed with any significant frequency in approximately 6,500 individuals of European and African American ancestry in the NHLBI Exome Sequencing Project. With the clinical and molecular information available at this time, we cannot definitively determine if A1103P is a disease-causing mutation or a rare benign variant. The variant is found in TAAD panel(s).